The following is an entry in ClinVar:

NM_033026.6(PCLO):c.9688C>T (p.Arg3230Cys)

Gene: PCLO (piccolo presynaptic cytomatrix protein; minus strand). Cytogenetic location: 7q21.11.
Variant type: single nucleotide variant.
Coding change: c.9688C>T on transcript NM_033026.6 (MANE Select); coding-DNA position 9688, C replaced by T.
Protein change: p.Arg3230Cys; replaces arginine 3230 with cysteine.
Molecular consequence: missense variant.
Genome position (GRCh38, 1-based): chr7:82,950,900, G>A on the plus strand (C>T on the coding strand, the complement: PCLO is on the minus strand). VCF-style: chr7-82950900-G-A. GRCh37 (hg19) VCF-style: chr7-82580216-G-A.
Other names: c.9688C>T, p.Arg3230Cys (NM_014510.3); short protein forms R3230C.
Identifiers: ClinVar variation 1418700 (VCV001418700.3), dbSNP rs372228421, ClinGen allele CA4319868.

ClinVar aggregate classification (germline): Uncertain significance (1 of 4 stars; one submission).

Allele frequency attached by ClinVar (database versions not stated): ESP Exome Variant Server 0.00017.
gnomAD v4.1: 74 of 1,613,192 alleles (0.0046%); highest among the groups gnomAD compares: East Asian, 0.06%; no homozygotes.

Submission:

Labcorp Genetics (formerly Invitae), Labcorp
Classification: Uncertain significance. Last evaluated: 2022-07-25. Review status: criteria provided, single submitter. Criteria: Invitae Variant Classification Sherloc (09022015). Collection method: clinical testing. Allele origin: germline.
Comment: This sequence change replaces arginine, which is basic and polar, with cysteine, which is neutral and slightly polar, at codon 3230 of the PCLO protein (p.Arg3230Cys). This variant is present in population databases (rs372228421, gnomAD 0.06%). This variant has not been reported in the literature in individuals affected with PCLO-related conditions. ClinVar contains an entry for this variant (Variation ID: 1418700). Algorithms developed to predict the effect of missense changes on protein structure and function are either unavailable or do not agree on the potential impact of this missense change (SIFT: "Tolerated"; PolyPhen-2: "Not Available"; Align-GVGD: "Class C0"). In summary, the available evidence is currently insufficient to determine the role of this variant in disease. Therefore, it has been classified as a Variant of Uncertain Significance.